The following is an entry in ClinVar:

NM_001035.3(RYR2):c.3506A>G (p.Asn1169Ser)

Gene: RYR2 (ryanodine receptor 2; plus strand). Cytogenetic location: 1q43.
Variant type: single nucleotide variant.
Coding change: c.3506A>G on transcript NM_001035.3 (MANE Select); coding-DNA position 3506, A replaced by G.
Protein change: p.Asn1169Ser; replaces asparagine 1169 with serine.
Molecular consequence: missense variant.
Genome position (GRCh38, 1-based): chr1:237,569,227, A>G. VCF-style: chr1-237569227-A-G. GRCh37 (hg19) VCF-style: chr1-237732527-A-G.
Other names: short protein forms N1169S.
Identifiers: ClinVar variation 843196 (VCV000843196.12), dbSNP rs979486756, ClinGen allele CA39783482.

ClinVar aggregate classification (germline): Conflicting classifications of pathogenicity. Review status: criteria provided, conflicting classifications (1 of 4 stars). 2 submissions from 2 submitters: Uncertain significance (1); Likely benign (1). Last evaluated 2026-08-01.

Conditions:
Catecholaminergic polymorphic ventricular tachycardia 1. Also called: RYR2-Related Catecholaminergic Polymorphic Ventricular Tachycardia; VENTRICULAR TACHYCARDIA, CATECHOLAMINERGIC POLYMORPHIC, 1, WITH OR WITHOUT ATRIAL DYSFUNCTION AND/OR DILATED CARDIOMYOPATHY; VENTRICULAR TACHYCARDIA, STRESS-INDUCED POLYMORPHIC 1. Identifiers: Orphanet 3286, MedGen C1631597, MONDO:0011484, OMIM 604772.

Allele frequency attached by ClinVar (database versions not stated): gnomAD exomes below 0.00001; TOPMed below 0.00001; gnomAD 0.00001.
gnomAD v4.1: 1 of 1,613,866 alleles (0.000062%); highest among the groups gnomAD compares: African/African-American, 0.0013%; no homozygotes.

Submissions (2):

CeGaT Center for Human Genetics Tuebingen
Classification: Uncertain significance. Last evaluated: 2026-08-01. Review status: criteria provided, single submitter. Criteria: CeGaT Center For Human Genetics Tuebingen Variant Classification Criteria Version 2. Collection method: clinical testing. Allele origin: germline. Affected: yes. Observed: 1 variant allele.
Comment: RYR2: PM2, BP4

Labcorp Genetics (formerly Invitae), Labcorp
Classification: Likely benign for Catecholaminergic polymorphic ventricular tachycardia 1. Last evaluated: 2026-01-05. Review status: criteria provided, single submitter. Criteria: Invitae Variant Classification Sherloc (09022015). Collection method: clinical testing. Allele origin: germline.